The following is an entry in ClinVar:

NM_052865.4(MGME1):c.857G>T (p.Ser286Ile)

Gene: MGME1 (mitochondrial genome maintenance exonuclease 1; plus strand). Cytogenetic location: 20p11.23.
Variant type: single nucleotide variant.
Coding change: c.857G>T on transcript NM_052865.4 (MANE Select); coding-DNA position 857, G replaced by T.
Protein change: p.Ser286Ile; replaces serine 286 with isoleucine.
Molecular consequence: missense variant. On other transcripts: intron variant (1).
Genome position (GRCh38, 1-based): chr20:17,988,291, G>T. VCF-style: chr20-17988291-G-T. GRCh37 (hg19) VCF-style: chr20-17968934-G-T.
Other names: c.902G>T, p.Ser301Ile (NM_001310338.2); c.617G>T, p.Ser206Ile (NM_001363738.2); c.512-1648G>T (NM_001310339.2); short protein forms S206I, S286I, S301I.
Identifiers: ClinVar variation 2005962 (VCV002005962.4), dbSNP rs2515327077, ClinGen allele CA408329378.

ClinVar aggregate classification (germline): Uncertain significance (1 of 4 stars; one submission).

Submission:

Labcorp Genetics (formerly Invitae), Labcorp
Classification: Uncertain significance. Last evaluated: 2022-06-13. Review status: criteria provided, single submitter. Criteria: Invitae Variant Classification Sherloc (09022015). Collection method: clinical testing. Allele origin: germline.
Comment: In summary, the available evidence is currently insufficient to determine the role of this variant in disease. Therefore, it has been classified as a Variant of Uncertain Significance. Algorithms developed to predict the effect of missense changes on protein structure and function are either unavailable or do not agree on the potential impact of this missense change (SIFT: "Tolerated"; PolyPhen-2: "Possibly Damaging"; Align-GVGD: "Class C0"). This variant has not been reported in the literature in individuals affected with MGME1-related conditions. This variant is not present in population databases (gnomAD no frequency). This sequence change replaces serine, which is neutral and polar, with isoleucine, which is neutral and non-polar, at codon 286 of the MGME1 protein (p.Ser286Ile).